The following is an entry in ClinVar:

ClinVar aggregate classification (germline): Conflicting classifications of pathogenicity. Review status: criteria provided, conflicting classifications (1 of 4 stars). 2 submissions from 2 submitters: Uncertain significance (1); Likely benign (1). Last evaluated 2023-03-23.

Conditions:
Hereditary breast ovarian cancer syndrome. Also called: Hereditary breast and ovarian cancer syndrome; BRCA1- and BRCA2-Associated Hereditary Breast and Ovarian Cancer; Hereditary breast and/or ovarian cancer syndrome; Hereditary breast and ovarian cancer; Hereditary breast and ovarian cancer syndrome (HBOC); Breast and ovarian cancer. Identifiers: Orphanet 145, MedGen C0677776, MeSH D061325, MONDO:0003582. Disease mechanism: loss of function.
Hereditary cancer-predisposing syndrome. Also called: Neoplastic Syndromes, Hereditary; Hereditary Cancer Syndrome; Tumor predisposition; Hereditary neoplastic syndrome. Identifiers: Orphanet 140162, MedGen C0027672, MeSH D009386, MONDO:0015356.

Submissions (2):

University of Washington Department of Laboratory Medicine, University of Washington
Classification: Likely benign for Hereditary cancer-predisposing syndrome. Last evaluated: 2023-03-23. Review status: criteria provided, single submitter. Criteria: Dines et al. (Genet Med. 2020). Collection method: curation. Allele origin: germline.
Comment: Missense variant in a coldspot region where missense variants are very unlikely to be pathogenic (PMID:31911673).

BRCA2 exon 11 coldspot. Reclassification based on statistical prior probability.

Labcorp Genetics (formerly Invitae), Labcorp
Classification: Uncertain significance for Hereditary breast ovarian cancer syndrome. Last evaluated: 2019-12-27. Review status: criteria provided, single submitter. Criteria: Invitae Variant Classification Sherloc (09022015). Collection method: clinical testing. Allele origin: germline.
Comment: In summary, the available evidence is currently insufficient to determine the role of this variant in disease. Therefore, it has been classified as a Variant of Uncertain Significance. Algorithms developed to predict the effect of missense changes on protein structure and function output the following: SIFT: "Tolerated"; PolyPhen-2: "Benign"; Align-GVGD: "Class C0". The leucine amino acid residue is found in multiple mammalian species, suggesting that this missense change does not adversely affect protein function. These predictions have not been confirmed by published functional studies and their clinical significance is uncertain. This variant has not been reported in the literature in individuals with BRCA2-related conditions. This variant is not present in population databases (ExAC no frequency). This sequence change replaces valine with leucine at codon 681 of the BRCA2 protein (p.Val681Leu). The valine residue is weakly conserved and there is a small physicochemical difference between valine and leucine.

NM_000059.4(BRCA2):c.2041G>C (p.Val681Leu)

Gene: BRCA2 (BRCA2 DNA repair associated; plus strand). Cytogenetic location: 13q13.1.
Variant type: single nucleotide variant.
Coding change: c.2041G>C on transcript NM_000059.4 (MANE Select); coding-DNA position 2041, G replaced by C.
Protein change: p.Val681Leu; replaces valine 681 with leucine.
Molecular consequence: missense variant.
Genome position (GRCh38, 1-based): chr13:32,336,396, G>C. VCF-style: chr13-32336396-G-C. GRCh37 (hg19) VCF-style: chr13-32910533-G-C.
Other names: short protein forms V681L.
Identifiers: ClinVar variation 853471 (VCV000853471.14), dbSNP rs2072449369, ClinGen allele CA387768926.